The following is an entry in ClinVar:

ClinVar aggregate classification (germline): Uncertain significance (1 of 4 stars; one submission).

Allele frequency attached by ClinVar (database versions not stated): gnomAD exomes below 0.00001; TOPMed 0.00001; gnomAD 0.00003.
gnomAD v4.1: 5 of 1,613,296 alleles (0.00031%); highest among the groups gnomAD compares: African/African-American, 0.004%; no homozygotes.

Submission:

Labcorp Genetics (formerly Invitae), Labcorp
Classification: Uncertain significance. Last evaluated: 2022-07-26. Review status: criteria provided, single submitter. Criteria: Invitae Variant Classification Sherloc (09022015). Collection method: clinical testing. Allele origin: germline.
Comment: This sequence change replaces alanine, which is neutral and non-polar, with glycine, which is neutral and non-polar, at codon 927 of the RBP3 protein (p.Ala927Gly). This variant is present in population databases (no rsID available, gnomAD 0.01%). This variant has not been reported in the literature in individuals affected with RBP3-related conditions. ClinVar contains an entry for this variant (Variation ID: 1500034). Algorithms developed to predict the effect of missense changes on protein structure and function are either unavailable or do not agree on the potential impact of this missense change (SIFT: "Deleterious"; PolyPhen-2: "Benign"; Align-GVGD: "Class C0"). In summary, the available evidence is currently insufficient to determine the role of this variant in disease. Therefore, it has been classified as a Variant of Uncertain Significance.

NM_002900.3(RBP3):c.2780C>G (p.Ala927Gly)

Gene: RBP3 (retinol binding protein 3; plus strand). Cytogenetic location: 10q11.22.
Variant type: single nucleotide variant.
Coding change: c.2780C>G on transcript NM_002900.3 (MANE Select); coding-DNA position 2780, C replaced by G.
Protein change: p.Ala927Gly; replaces alanine 927 with glycine.
Molecular consequence: missense variant.
Genome position (GRCh38, 1-based): chr10:47,351,264, C>G. VCF-style: chr10-47351264-C-G. GRCh37 (hg19) VCF-style: chr10-48388098-G-C.
Other names: short protein forms A927G.
Identifiers: ClinVar variation 1500034 (VCV001500034.3), dbSNP rs1390054797, ClinGen allele CA376675004.
Genomic context (GRCh38, chr10:47,351,264, plus strand): 5'-GGGACCTGGCTGGTGTGGAGCCCGACATCACTGTGCCCATGAGCGAAGCCCTTTCCATAG[C>G]CCAGGACATAGTGGCTCTGCGTGCCAAGGTGCCCACGGTGCTGCAGACGGCCGGGAAGCT-3'
Protein context (NP_002891.1, residues 917-937): TVPMSEALSI[Ala927Gly]QDIVALRAKV